The following is an entry in ClinVar:

ClinVar aggregate classification (germline): Uncertain significance. Review status: criteria provided, multiple submitters, no conflicts (2 of 4 stars). 2 submissions from 2 submitters: Uncertain significance (2). Last evaluated 2026-07-29.

Conditions:
Neurofibromatosis, type 1 (NF1). Also called: VON RECKLINGHAUSEN DISEASE; NEUROFIBROMATOSIS, TYPE I, SOMATIC; Peripheral type neurofibromatosis; Neurofibromatosis, type I. Identifiers: Orphanet 636, MedGen C0027831, MONDO:0018975, OMIM 162200. Disease mechanism: loss of function.
Hereditary cancer-predisposing syndrome. Also called: Tumor predisposition; Hereditary neoplastic syndrome; Neoplastic Syndromes, Hereditary; Hereditary Cancer Syndrome. Identifiers: Orphanet 140162, MedGen C0027672, MeSH D009386, MONDO:0015356.
Cardiovascular phenotype. Identifiers: MedGen CN230736.

Submissions (2):

Ambry Genetics
Classification: Uncertain significance for Cardiovascular phenotype; Hereditary cancer-predisposing syndrome. Last evaluated: 2026-07-29. Review status: criteria provided, single submitter. Criteria: Ambry Variant Classification Scheme 2023. Collection method: clinical testing. Allele origin: germline.
Comment: The p.E1811K variant (also known as c.5431G>A), located in coding exon 37 of the NF1 gene, results from a G to A substitution at nucleotide position 5431. The glutamic acid at codon 1811 is replaced by lysine, an amino acid with similar properties. This amino acid position is conserved. In addition, this alteration is predicted to be deleterious by in silico analysis. Based on the available evidence, the clinical significance of this variant remains unclear.

Labcorp Genetics (formerly Invitae), Labcorp
Classification: Uncertain significance for Neurofibromatosis, type 1. Last evaluated: 2023-10-23. Review status: criteria provided, single submitter. Criteria: Invitae Variant Classification Sherloc (09022015). Collection method: clinical testing. Allele origin: germline.
Comment: This sequence change replaces glutamic acid, which is acidic and polar, with lysine, which is basic and polar, at codon 1811 of the NF1 protein (p.Glu1811Lys). This variant is not present in population databases (gnomAD no frequency). This variant has not been reported in the literature in individuals affected with NF1-related conditions. ClinVar contains an entry for this variant (Variation ID: 845410). Advanced modeling of protein sequence and biophysical properties (such as structural, functional, and spatial information, amino acid conservation, physicochemical variation, residue mobility, and thermodynamic stability) performed at Invitae indicates that this missense variant is expected to disrupt NF1 protein function. In summary, the available evidence is currently insufficient to determine the role of this variant in disease. Therefore, it has been classified as a Variant of Uncertain Significance.

NM_001042492.3(NF1):c.5494G>A (p.Glu1832Lys)

Gene: NF1 (neurofibromin 1; plus strand). Cytogenetic location: 17q11.2.
Variant type: single nucleotide variant.
Coding change: c.5494G>A on transcript NM_001042492.3 (MANE Select); coding-DNA position 5494, G replaced by A.
Protein change: p.Glu1832Lys; replaces glutamic acid 1832 with lysine.
Molecular consequence: missense variant.
Genome position (GRCh38, 1-based): chr17:31,327,724, G>A. VCF-style: chr17-31327724-G-A. GRCh37 (hg19) VCF-style: chr17-29654742-G-A.
Other names: c.5431G>A, p.Glu1811Lys (NM_000267.4); short protein forms E1832K, E1811K.
Identifiers: ClinVar variation 845410 (VCV000845410.8), dbSNP rs2069382639, ClinGen allele CA399009586.
Genomic context (GRCh38, chr17:31,327,724, plus strand): 5'-TTCATGCACCAGGAGTGTGAAGCCATTGTCCAGTCTATCATTCATATCCGGACCCGCTGG[G>A]AACTGTCACAGCCCGACTCTATCCCCCAACACACCAAGATTCGGCCAAAAGATGTCCCTG-3'
Protein context (NP_001035957.1, residues 1822-1842): QSIIHIRTRW[Glu1832Lys]LSQPDSIPQH